The following is an entry in ClinVar:

NM_000143.4(FH):c.1470C>T (p.Gly490=)

Gene: FH (fumarate hydratase; minus strand). Cytogenetic location: 1q43.
Variant type: single nucleotide variant.
Coding change: c.1470C>T on transcript NM_000143.4 (MANE Select); coding-DNA position 1470, C replaced by T.
Protein change: p.Gly490=; no amino-acid change (glycine 490 retained).
Molecular consequence: synonymous variant.
Genome position (GRCh38, 1-based): chr1:241,497,891, G>A on the plus strand (C>T on the coding strand, the complement: FH is on the minus strand). VCF-style: chr1-241497891-G-A. GRCh37 (hg19) VCF-style: chr1-241661191-G-A.
Identifiers: ClinVar variation 698588 (VCV000698588.16), dbSNP rs137969374, ClinGen allele CA1478432.

ClinVar aggregate classification (germline): Benign/Likely benign. Review status: criteria provided, multiple submitters, no conflicts (2 of 4 stars). 3 submissions from 3 submitters: Benign (1); Likely benign (2). Last evaluated 2025-04-27.

Conditions:
Hereditary cancer-predisposing syndrome. Also called: Neoplastic Syndromes, Hereditary; Hereditary Cancer Syndrome; Hereditary neoplastic syndrome; Tumor predisposition. Identifiers: Orphanet 140162, MedGen C0027672, MeSH D009386, MONDO:0015356.
Hereditary leiomyomatosis and renal cell cancer. Also called: Familial leiomyomatosis; Reed syndrome; Multiple cutaneous and uterine leiomyomatosis; Cutaneous leiomyomata with uterine leiomyomata; Leiomyoma, hereditary multiple, of skin; Multiple cutaneous and uterine leiomyomata. Identifiers: Orphanet 523, MedGen C1708350, MONDO:0007888, OMIM 150800, HP:0007437. Disease mechanism: loss of function.

Allele frequency attached by ClinVar (database versions not stated): gnomAD exomes below 0.00001; TOPMed below 0.00001; ExAC 0.00001; gnomAD 0.00001; ESP Exome Variant Server 0.00008.

Submissions (3):

Labcorp Genetics (formerly Invitae), Labcorp
Classification: Likely benign. Last evaluated: 2025-04-27. Review status: criteria provided, single submitter. Criteria: Invitae Variant Classification Sherloc (09022015). Collection method: clinical testing. Allele origin: germline.

Myriad Genetics, Inc.
Classification: Benign for Hereditary leiomyomatosis and renal cell cancer. Last evaluated: 2024-10-22. Review status: criteria provided, single submitter. Criteria: Myriad Autosomal Dominant, Autosomal Recessive and X-Linked Classification Criteria (2023). Collection method: clinical testing. Allele origin: unknown.
Comment: This variant is considered benign. This variant is a silent/synonymous amino acid change and it is not expected to impact splicing.

Ambry Genetics
Classification: Likely benign for Hereditary cancer-predisposing syndrome. Last evaluated: 2018-01-25. Review status: criteria provided, single submitter. Criteria: Ambry Variant Classification Scheme 2023. Collection method: clinical testing. Allele origin: germline.